The following is an entry in ClinVar:

ClinVar aggregate classification (germline): Conflicting classifications of pathogenicity. Review status: criteria provided, conflicting classifications (1 of 4 stars). 2 submissions from 2 submitters: Uncertain significance (1); Likely benign (1). Last evaluated 2025-05-01.

Conditions:
Long QT syndrome (LQTS). Identifiers: MedGen C0023976, MeSH D008133, MONDO:0002442. Disease mechanism: loss of function. Inheritance: Various modes of inheritance.
Cardiovascular phenotype. Identifiers: MedGen CN230736.

Allele frequency attached by ClinVar (database versions not stated): gnomAD exomes 0.00002; ExAC 0.00003; gnomAD 0.00001.
gnomAD v4.1: 36 of 1,613,704 alleles (0.0022%); highest among the groups gnomAD compares: South Asian, 0.037%; no homozygotes.

Submissions (2):

Labcorp Genetics (formerly Invitae), Labcorp
Classification: Uncertain significance for Long QT syndrome. Last evaluated: 2025-05-01. Review status: criteria provided, single submitter. Criteria: Invitae Variant Classification Sherloc (09022015). Collection method: clinical testing. Allele origin: germline.
Comment: This sequence change replaces valine, which is neutral and non-polar, with isoleucine, which is neutral and non-polar, at codon 3239 of the ANK2 protein (p.Val3239Ile). This variant is present in population databases (rs778612815, gnomAD 0.03%). This variant has not been reported in the literature in individuals affected with ANK2-related conditions. ClinVar contains an entry for this variant (Variation ID: 1946955). An algorithm developed to predict the effect of missense changes on protein structure and function outputs the following: PolyPhen-2: "Benign". The isoleucine amino acid residue is found in multiple mammalian species, which suggests that this missense change does not adversely affect protein function. In summary, the available evidence is currently insufficient to determine the role of this variant in disease. Therefore, it has been classified as a Variant of Uncertain Significance.

Ambry Genetics
Classification: Likely benign for Cardiovascular phenotype. Last evaluated: 2023-07-01. Review status: criteria provided, single submitter. Criteria: Ambry Variant Classification Scheme 2023. Collection method: clinical testing. Allele origin: germline.

NM_001148.6(ANK2):c.9715G>A (p.Val3239Ile)

Gene: ANK2 (ankyrin 2; plus strand). Cytogenetic location: 4q26.
Variant type: single nucleotide variant.
Coding change: c.9715G>A on transcript NM_001148.6 (MANE Select); coding-DNA position 9715, G replaced by A.
Protein change: p.Val3239Ile; replaces valine 3239 with isoleucine.
Molecular consequence: missense variant. On other transcripts: intron variant (68).
Genome position (GRCh38, 1-based): chr4:113,358,333, G>A. VCF-style: chr4-113358333-G-A. GRCh37 (hg19) VCF-style: chr4-114279489-G-A.
Other names: c.9481G>A, p.Val3161Ile (NM_001386142.1); c.6115G>A, p.Val2039Ile (NM_001386166.1); c.9856G>A, p.Val3286Ile (NM_001386174.1); c.9832G>A, p.Val3278Ile (NM_001386175.1); c.4412-2490G>A (NM_001386186.2, NM_001386148.2); c.4214-2490G>A (NM_001354269.3); c.4292-2490G>A (NM_001386187.2); c.4253-2490G>A (NM_001386147.1); and 35 more; short protein forms V2039I, V3161I, V3278I, V3239I, V3286I.
Identifiers: ClinVar variation 1946955 (VCV001946955.7), dbSNP rs778612815, ClinGen allele CA3051973.
Genomic context (GRCh38, chr4:113,358,333, plus strand): 5'-AGTGTAGGGACCAAGGACCTCCCCACCGTGCAAACGGGTGATATACCTCCTCTCTCTGGT[G>A]TAAAGCAGATATCCTGCCCCGACTCTTCTGAACCAGCTGTACAAGTCCAGTTAGATTTTT-3'
Protein context (NP_001139.3, residues 3229-3249): QTGDIPPLSG[Val3239Ile]KQISCPDSSE